The following is an entry in ClinVar:

ClinVar aggregate classification (germline): Uncertain significance (1 of 4 stars; one submission).

Allele frequency attached by ClinVar (database versions not stated): gnomAD exomes below 0.00001; TOPMed 0.00001.
gnomAD v4.1: 2 of 1,605,178 alleles (0.00012%); highest among the groups gnomAD compares: African/African-American, 0.0013%; no homozygotes.

Submission:

Labcorp Genetics (formerly Invitae), Labcorp
Classification: Uncertain significance. Last evaluated: 2025-01-27. Review status: criteria provided, single submitter. Criteria: Invitae Variant Classification Sherloc (09022015). Collection method: clinical testing. Allele origin: germline.
Comment: This sequence change replaces leucine, which is neutral and non-polar, with proline, which is neutral and non-polar, at codon 10 of the FSCN2 protein (p.Leu10Pro). This variant is not present in population databases (gnomAD no frequency). This variant has not been reported in the literature in individuals affected with FSCN2-related conditions. ClinVar contains an entry for this variant (Variation ID: 1461435). An algorithm developed to predict the effect of missense changes on protein structure and function (PolyPhen-2) suggests that this variant is likely to be disruptive. In summary, the available evidence is currently insufficient to determine the role of this variant in disease. Therefore, it has been classified as a Variant of Uncertain Significance.

NM_012418.4(FSCN2):c.29T>C (p.Leu10Pro)

Gene: FSCN2 (fascin actin-bundling protein 2, retinal; plus strand). Cytogenetic location: 17q25.3.
Variant type: single nucleotide variant.
Coding change: c.29T>C on transcript NM_012418.4 (MANE Select); coding-DNA position 29, T replaced by C.
Protein change: p.Leu10Pro; replaces leucine 10 with proline.
Molecular consequence: missense variant.
Genome position (GRCh38, 1-based): chr17:81,528,560, T>C. VCF-style: chr17-81528560-T-C. GRCh37 (hg19) VCF-style: chr17-79495586-T-C.
Other names: c.29T>C, p.Leu10Pro (NM_001077182.3); short protein forms L10P.
Identifiers: ClinVar variation 1461435 (VCV001461435.6), dbSNP rs1314475048, ClinGen allele CA401469320.
Genomic context (GRCh38, chr17:81,528,560, plus strand): 5'-CAGGCCCCTCCGGGGACCCGGCCAGCCTGAAGATGCCGACGAACGGCCTGCACCAGGTGC[T>C]GAAGATCCAGTTTGGCCTCGTCAACGACACTGACCGCTACCTGACAGCTGAGAGCTTCGG-3'
Protein context (NP_036550.1, residues 1-20): MPTNGLHQV[Leu10Pro]KIQFGLVNDT